The following is an entry in ClinVar:

NM_001080414.4(CCDC88C):c.6027G>A (p.Pro2009=)

Gene: CCDC88C (coiled-coil and HOOK domain protein 88C; minus strand). Cytogenetic location: 14q32.11.
Variant type: single nucleotide variant.
Coding change: c.6027G>A on transcript NM_001080414.4 (MANE Select); coding-DNA position 6027, G replaced by A.
Protein change: p.Pro2009=; no amino-acid change (proline 2009 retained).
Molecular consequence: synonymous variant.
Genome position (GRCh38, 1-based): chr14:91,272,685, C>T on the plus strand (G>A on the coding strand, the complement: CCDC88C is on the minus strand). VCF-style: chr14-91272685-C-T. GRCh37 (hg19) VCF-style: chr14-91739029-C-T.
Identifiers: ClinVar variation 708836 (VCV000708836.37), dbSNP rs200979954, ClinGen allele CA7308525.

ClinVar aggregate classification (germline): Benign/Likely benign. Review status: criteria provided, multiple submitters, no conflicts (2 of 4 stars). 6 submissions from 6 submitters: Benign (1); Likely benign (3). 2 of the submissions do not count toward it. Last evaluated 2026-02-01.

Conditions:
Hydrocephalus, nonsyndromic, autosomal recessive 1 (HYC1). Also called: Hydrocephalus, nonsyndromic, autosomal recessive; Congenital hydrocephalus 1. Identifiers: Orphanet 2185, MedGen C3887608, MONDO:0009360, OMIM 236600.
Spinocerebellar ataxia type 40. Identifiers: Orphanet 423275, MedGen C4518336, MONDO:0014475, OMIM 616053.

Allele frequency attached by ClinVar (database versions not stated): TOPMed 0.00196; ExAC 0.00219; gnomAD exomes 0.00240 and 0.00194; 1000 Genomes Project 0.00040; 1000 Genomes Project 30x 0.00047; ESP Exome Variant Server 0.00168; gnomAD 0.00169 and 0.00175.
gnomAD v4.1: 3,727 of 1,611,708 alleles (0.23%); highest among the groups gnomAD compares: South Asian, 0.33%; 6 homozygotes.

Submissions (6):

Labcorp Genetics (formerly Invitae), Labcorp
Classification: Benign. Last evaluated: 2026-02-01. Review status: criteria provided, single submitter. Criteria: Invitae Variant Classification Sherloc (09022015). Collection method: clinical testing. Allele origin: germline.

CeGaT Center for Human Genetics Tuebingen
Classification: Likely benign. Last evaluated: 2025-11-01. Review status: criteria provided, single submitter. Criteria: CeGaT Center For Human Genetics Tuebingen Variant Classification Criteria Version 2. Collection method: clinical testing. Allele origin: germline. Affected: yes. Observed: 3 variant alleles.
Comment: CCDC88C: BP4, BP7

Blueprint Genetics
Classification: Likely benign. Last evaluated: 2024-11-20. Review status: criteria provided, single submitter. Criteria: ACMG Guidelines, 2015. Collection method: clinical testing. Allele origin: germline.

Fulgent Genetics
Classification: Likely benign for Hydrocephalus, nonsyndromic, autosomal recessive 1; Spinocerebellar ataxia type 40. Last evaluated: 2021-09-16. Review status: criteria provided, single submitter. Criteria: ACMG Guidelines, 2015. Collection method: clinical testing. Allele origin: unknown.

Clinical Genetics DNA and cytogenetics Diagnostics Lab, Erasmus MC, Erasmus Medical Center
Classification: Likely benign. Review status: no assertion criteria provided. Collection method: clinical testing. Allele origin: germline. Affected: yes. Study: VKGL Data-share Consensus. Not counted in ClinVar's aggregate classification.

Genome Diagnostics Laboratory, University Medical Center Utrecht
Classification: Likely benign. Review status: no assertion criteria provided. Collection method: clinical testing. Allele origin: germline. Affected: yes. Study: VKGL Data-share Consensus. Not counted in ClinVar's aggregate classification.